The following is an entry in ClinVar:

NM_000384.3(APOB):c.6929T>C (p.Ile2310Thr)

Gene: APOB (apolipoprotein B; minus strand). Cytogenetic location: 2p24.1.
Variant type: single nucleotide variant.
Coding change: c.6929T>C on transcript NM_000384.3 (MANE Select); coding-DNA position 6929, T replaced by C.
Protein change: p.Ile2310Thr; replaces isoleucine 2310 with threonine.
Molecular consequence: missense variant.
Genome position (GRCh38, 1-based): chr2:21,009,939, A>G on the plus strand (T>C on the coding strand, the complement: APOB is on the minus strand). VCF-style: chr2-21009939-A-G. GRCh37 (hg19) VCF-style: chr2-21232811-A-G.
Other names: short protein forms I2310T.
Identifiers: ClinVar variation 627652 (VCV000627652.39), dbSNP rs561774487, ClinGen allele CA063773.
Genomic context (GRCh38, chr2:21,009,939, plus strand): 5'-ACTTCAAAATCCCCAATAAGATTTATAACAAAGTGTTTGACATGCTCAAGAATGTCATTT[A>G]TTCTTTCAAATGAAATTGTAGTTCCCAATTGATCTAAAAGCACTCTAACATCAATAGCCT-3'
Protein context (NP_000375.3, residues 2300-2320): QLGTTISFER[Ile2310Thr]NDILEHVKHF

ClinVar aggregate classification (germline): Conflicting classifications of pathogenicity. Review status: criteria provided, conflicting classifications (1 of 4 stars). 7 submissions from 6 submitters: Uncertain significance (3); Benign (2); Likely benign (2). Last evaluated 2026-05-22.

Conditions:
Familial hypercholesterolemia. Also called: Familial hypercholesterolaemia; Familial hypercholesterolemias. Identifiers: MedGen C0020445, MONDO:0005439.
Hypercholesterolemia, autosomal dominant, type B (FHCL2). Also called: HYPERCHOLESTEROLEMIA, FAMILIAL, DUE TO LIGAND-DEFECTIVE APOLIPOPROTEIN B; Familial hypercholesterolemia 2; APOLIPOPROTEIN B-100, FAMILIAL DEFECTIVE; APOLIPOPROTEIN B-100, FAMILIAL LIGAND-DEFECTIVE; APOB-Related Familial Hypercholesterolemia, Autosomal Dominant; Familial Hypercholesterolemia Type B. Identifiers: MedGen C1704417, MONDO:0007751, OMIM 144010.
Cardiovascular phenotype. Identifiers: MedGen CN230736.
Familial hypobetalipoproteinemia 1. Also called: APOB-Related Familial Hypobetalipoproteinemia; Hypobetalipoproteinemia, normotriglyceridemic; Acanthocytosis with hypobetalipoproteinemia. Identifiers: MedGen C4551990, MONDO:0014252, OMIM 615558.

Allele frequency attached by ClinVar (database versions not stated): gnomAD below 0.00001 and 0.00008; TOPMed 0.00001; gnomAD exomes 0.00027 and 0.00054; 1000 Genomes Project 30x 0.00062; ExAC 0.00070; 1000 Genomes Project 0.00080.
gnomAD v4.1: 402 of 1,613,590 alleles (0.025%); highest among the groups gnomAD compares: South Asian, 0.42%; 4 homozygotes.

Submissions (7):

Cambridge Genomics Laboratory, East Genomic Laboratory Hub, NHS Genomic Medicine Service
Classification: Uncertain significance for Familial hypercholesterolaemia. Last evaluated: 2026-05-22. Review status: criteria provided, single submitter. Criteria: ACGS Best Practice Guidelines for Variant Classification in Rare Disease 2020. Collection method: clinical testing. Allele origin: germline. Affected: yes.
Comment: BS1_Strong

GeneDx
Classification: Uncertain significance. Last evaluated: 2026-03-31. Review status: criteria provided, single submitter. Criteria: GeneDx Variant Classification Process June 2021. Collection method: clinical testing. Allele origin: germline.
Comment: Observed in a cohort of patients with elevated LDL-C (PMID: 35047021); In silico analysis supports that this missense variant has a deleterious effect on protein structure/function; Also known as p.I2283T; This variant is associated with the following publications: (PMID: 35047021)

Labcorp Genetics (formerly Invitae), Labcorp
Classification: Benign for Familial hypobetalipoproteinemia 1; Hypercholesterolemia, autosomal dominant, type B. Last evaluated: 2025-11-10. Review status: criteria provided, single submitter. Criteria: Invitae Variant Classification Sherloc (09022015). Collection method: clinical testing. Allele origin: germline.

CeGaT Center for Human Genetics Tuebingen
Classification: Likely benign. Last evaluated: 2024-08-01. Review status: criteria provided, single submitter. Criteria: CeGaT Center For Human Genetics Tuebingen Variant Classification Criteria Version 2. Collection method: clinical testing. Allele origin: germline. Affected: yes. Observed: 1 variant allele.
Comment: APOB: BS2

Ambry Genetics
Classification: Benign for Cardiovascular phenotype. Last evaluated: 2024-06-20. Review status: criteria provided, single submitter. Criteria: Ambry Variant Classification Scheme 2023. Collection method: clinical testing. Allele origin: germline.

Illumina Laboratory Services, Illumina
Classification: Uncertain significance for Familial hypobetalipoproteinemia 1. Last evaluated: 2018-01-12. Review status: criteria provided, single submitter. Criteria: ICSL Variant Classification Criteria 13 December 2019. Collection method: clinical testing. Allele origin: germline.

Illumina Laboratory Services, Illumina
Classification: Likely benign for Hypercholesterolemia, autosomal dominant, type B. Last evaluated: 2018-01-12. Review status: criteria provided, single submitter. Criteria: ICSL Variant Classification Criteria 13 December 2019. Collection method: clinical testing. Allele origin: germline.
Comment: This variant was observed in the ICSL laboratory as part of a predisposition screen in an ostensibly healthy population. It had not been previously curated by ICSL or reported in the Human Gene Mutation Database (HGMD: prior to June 1st, 2018), and was therefore a candidate for classification through an automated scoring system. Utilizing variant allele frequency, disease prevalence and penetrance estimates, and inheritance mode, an automated score was calculated to assess if this variant is too frequent to cause the disease. Based on the score and internal cut-off values, a variant classified as likely benign is not then subjected to further curation. The score for this variant resulted in a classification of likely benign for this disease.

Literature cited by the submitters: PubMed 35047021 (cited by Ambry Genetics); PubMed 36973604 (cited by Ambry Genetics).